The following is an entry in ClinVar:

ClinVar aggregate classification (germline): Uncertain significance. Review status: criteria provided, multiple submitters, no conflicts (2 of 4 stars). 2 submissions from 2 submitters: Uncertain significance (2). Last evaluated 2024-09-19.

Allele frequency attached by ClinVar (database versions not stated): TOPMed 0.00001.
gnomAD v4.1: 25 of 1,587,830 alleles (0.0016%); highest among the groups gnomAD compares: Non-Finnish European, 0.002%; no homozygotes.

Submissions (2):

Blueprint Genetics
Classification: Uncertain significance. Last evaluated: 2024-09-19. Review status: criteria provided, single submitter. Criteria: ACMG Guidelines, 2015. Collection method: clinical testing. Allele origin: germline.

Labcorp Genetics (formerly Invitae), Labcorp
Classification: Uncertain significance. Last evaluated: 2022-07-20. Review status: criteria provided, single submitter. Criteria: Invitae Variant Classification Sherloc (09022015). Collection method: clinical testing. Allele origin: germline.
Comment: This sequence change replaces glycine, which is neutral and non-polar, with arginine, which is basic and polar, at codon 663 of the COL18A1 protein (p.Gly663Arg). The frequency data for this variant in the population databases is considered unreliable, as metrics indicate poor data quality at this position in the gnomAD database. This variant has not been reported in the literature in individuals affected with COL18A1-related conditions. Experimental studies and prediction algorithms are not available or were not evaluated, and the functional significance of this variant is currently unknown. In summary, the available evidence is currently insufficient to determine the role of this variant in disease. Therefore, it has been classified as a Variant of Uncertain Significance.

NM_001379500.1(COL18A1):c.1987G>A (p.Gly663Arg)

Gene: COL18A1 (collagen type XVIII alpha 1 chain; plus strand). Cytogenetic location: 21q22.3.
Variant type: single nucleotide variant.
Coding change: c.1987G>A on transcript NM_001379500.1 (MANE Select); coding-DNA position 1987, G replaced by A.
Protein change: p.Gly663Arg; replaces glycine 663 with arginine.
Molecular consequence: missense variant.
Genome position (GRCh38, 1-based): chr21:45,490,302, G>A. VCF-style: chr21-45490302-G-A. GRCh37 (hg19) VCF-style: chr21-46910216-G-A.
Other names: c.2527G>A, p.Gly843Arg (NM_030582.4); c.3232G>A, p.Gly1078Arg (NM_130444.3); short protein forms G663R, G1078R, G843R.
Identifiers: ClinVar variation 2094266 (VCV002094266.2), dbSNP rs550223927, ClinGen allele CA10066733.